The following is an entry in ClinVar:

NM_018010.4(IFT57):c.7G>A (p.Ala3Thr)

Gene: IFT57 (intraflagellar transport 57; minus strand). Cytogenetic location: 3q13.13.
Variant type: single nucleotide variant.
Coding change: c.7G>A on transcript NM_018010.4 (MANE Select); coding-DNA position 7, G replaced by A.
Protein change: p.Ala3Thr; replaces alanine 3 with threonine.
Molecular consequence: missense variant.
Genome position (GRCh38, 1-based): chr3:108,222,316, C>T on the plus strand (G>A on the coding strand, the complement: IFT57 is on the minus strand). VCF-style: chr3-108222316-C-T. GRCh37 (hg19) VCF-style: chr3-107941163-C-T.
Other names: c.7G>A (NM_018010.3); short protein forms A3T.
Identifiers: ClinVar variation 1550808 (VCV001550808.11), dbSNP rs192053464, ClinGen allele CA2526859.

ClinVar aggregate classification (germline): Benign. Review status: criteria provided, multiple submitters, no conflicts (2 of 4 stars). 3 submissions from 3 submitters: Benign (2). 1 of the submissions does not count toward it. Last evaluated 2026-02-02.

Conditions:
IFT57-related disorder. Also called: IFT57-related condition.

Allele frequency attached by ClinVar (database versions not stated): 1000 Genomes Project 30x 0.00187; ExAC 0.00306; TOPMed 0.00233; gnomAD 0.00099 and 0.00100; 1000 Genomes Project 0.00160; gnomAD exomes 0.00078 and 0.00379.
gnomAD v4.1: 1,272 of 1,609,736 alleles (0.079%); highest among the groups gnomAD compares: Admixed American, 2.1%; 16 homozygotes.

Submissions (3):

Labcorp Genetics (formerly Invitae), Labcorp
Classification: Benign. Last evaluated: 2026-02-02. Review status: criteria provided, single submitter. Criteria: Invitae Variant Classification Sherloc (09022015). Collection method: clinical testing. Allele origin: germline.

Breakthrough Genomics
Classification: Benign. Review status: criteria provided, single submitter. Criteria: ACMG Guidelines, 2015. Collection method: not provided. Allele origin: germline. Inheritance: Autosomal recessive inheritance. Affected: yes.

PreventionGenetics, part of Exact Sciences
Classification: Benign for IFT57-related condition. Last evaluated: 2019-12-03. Review status: no assertion criteria provided. Collection method: clinical testing. Allele origin: germline. Not counted in ClinVar's aggregate classification.
Comment: This variant is classified as benign based on ACMG/AMP sequence variant interpretation guidelines (Richards et al. 2015 PMID: 25741868, with internal and published modifications).